The following is an entry in ClinVar:

NM_013352.4(DSE):c.2559T>A (p.Asp853Glu)

Gene: DSE (dermatan sulfate epimerase; plus strand). Cytogenetic location: 6q22.1.
Variant type: single nucleotide variant.
Coding change: c.2559T>A on transcript NM_013352.4 (MANE Select); coding-DNA position 2559, T replaced by A.
Protein change: p.Asp853Glu; replaces aspartic acid 853 with glutamic acid.
Molecular consequence: missense variant. On other transcripts: 3 prime UTR variant (2), non-coding transcript variant (1).
Genome position (GRCh38, 1-based): chr6:116,437,027, T>A. VCF-style: chr6-116437027-T-A. GRCh37 (hg19) VCF-style: chr6-116758190-T-A.
Other names: c.2559T>A, p.Asp853Glu (NM_001080976.3, NM_001322937.2, NM_001322938.2); c.2616T>A, p.Asp872Glu (NM_001322939.2); c.1998T>A, p.Asp666Glu (NM_001322940.2, NM_001322941.2); c.*1424T>A (NM_001322943.2, NM_001322944.2); c.1560T>A, p.Asp520Glu (NM_001374520.1); c.1524T>A, p.Asp508Glu (NM_001374521.1); short protein forms D508E, D520E, D666E, D853E, D872E.
Identifiers: ClinVar variation 3629284 (VCV003629284.2).

ClinVar aggregate classification (germline): Uncertain significance (1 of 4 stars; one submission).

Conditions:
Ehlers-Danlos syndrome, musculocontractural type 2 (EDSMC2). Identifiers: Orphanet 2953, MedGen C3809845, MONDO:0014236, OMIM 615539.

gnomAD v4.1: 9 of 1,614,014 alleles (0.00056%); highest among the groups gnomAD compares: Non-Finnish European, 0.00059%; no homozygotes.

Submission:

Labcorp Genetics (formerly Invitae), Labcorp
Classification: Uncertain significance for Ehlers-Danlos syndrome, musculocontractural type 2. Last evaluated: 2024-07-19. Review status: criteria provided, single submitter. Criteria: Invitae Variant Classification Sherloc (09022015). Collection method: clinical testing. Allele origin: germline.
Comment: This sequence change replaces aspartic acid, which is acidic and polar, with glutamic acid, which is acidic and polar, at codon 853 of the DSE protein (p.Asp853Glu). This variant is present in population databases (rs182628432, gnomAD 0.002%). This variant has not been reported in the literature in individuals affected with DSE-related conditions. An algorithm developed to predict the effect of missense changes on protein structure and function outputs the following: PolyPhen-2: "Benign". The glutamic acid amino acid residue is found in multiple mammalian species, which suggests that this missense change does not adversely affect protein function. In summary, the available evidence is currently insufficient to determine the role of this variant in disease. Therefore, it has been classified as a Variant of Uncertain Significance.